The following is an entry in ClinVar:

ClinVar aggregate classification (germline): Uncertain significance (1 of 4 stars; one submission).

Conditions:
Pulmonary fibrosis and/or bone marrow failure, Telomere-related, 3. Also called: PULMONARY FIBROSIS AND/OR BONE MARROW FAILURE SYNDROME, TELOMERE-RELATED, 3. Identifiers: Orphanet 2032, MedGen C4225346, MONDO:0014613, OMIM 616373.
Dyskeratosis congenita, autosomal recessive 5 (DKCB5). Identifiers: MedGen C3554656, MONDO:0014076, OMIM 615190.

Allele frequency attached by ClinVar (database versions not stated): gnomAD exomes 0.00004 and 0.00002; gnomAD 0.00001; TOPMed 0.00001; ExAC 0.00004.
gnomAD v4.1: 32 of 1,604,546 alleles (0.002%); highest among the groups gnomAD compares: South Asian, 0.022%; no homozygotes.

Submission:

Labcorp Genetics (formerly Invitae), Labcorp
Classification: Uncertain significance for Dyskeratosis congenita, autosomal recessive 5; Pulmonary fibrosis and/or bone marrow failure, Telomere-related, 3. Last evaluated: 2025-08-02. Review status: criteria provided, single submitter. Criteria: Invitae Variant Classification Sherloc (09022015). Collection method: clinical testing. Allele origin: germline.
Comment: This sequence change falls in intron 24 of the RTEL1 gene. It does not directly change the encoded amino acid sequence of the RTEL1 protein. It affects a nucleotide within the consensus splice site. This variant is present in population databases (rs780002400, gnomAD 0.03%). This variant has not been reported in the literature in individuals affected with RTEL1-related conditions. ClinVar contains an entry for this variant (Variation ID: 1430942). Variants that disrupt the consensus splice site are a relatively common cause of aberrant splicing (PMID: 17576681, 9536098). Algorithms developed to predict the effect of sequence changes on RNA splicing suggest that this variant is not likely to affect RNA splicing. In summary, the available evidence is currently insufficient to determine the role of this variant in disease. Therefore, it has been classified as a Variant of Uncertain Significance.

Literature cited by the submitters: PubMed 17576681; PubMed 9536098.

NM_001283009.2(RTEL1):c.2141+4C>T

Genes: RTEL1 (regulator of telomere elongation helicase 1; plus strand), RTEL1-TNFRSF6B (RTEL1-TNFRSF6B readthrough (NMD candidate); plus strand). Cytogenetic location: 20q13.33.
Variant type: single nucleotide variant.
Coding change: c.2141+4C>T on transcript NM_001283009.2 (MANE Select); 4 bases into the intron after coding-DNA position 2141, C replaced by T.
Molecular consequence: intron variant.
Genome position (GRCh38, 1-based): chr20:63,689,869, C>T. VCF-style: chr20-63689869-C-T. GRCh37 (hg19) VCF-style: chr20-62321222-C-T.
Other names: c.1472+4C>T (NM_001283010.1); c.2213+4C>T (NM_032957.5); c.2141+4C>T (NM_016434.4).
Identifiers: ClinVar variation 1430942 (VCV001430942.5), dbSNP rs780002400, ClinGen allele CA9965170.